The following is an entry in ClinVar:

ClinVar aggregate classification (germline): Likely benign (1 of 4 stars; one submission).

gnomAD v4.1: 66 of 1,549,952 alleles (0.0043%); highest among the groups gnomAD compares: Admixed American, 0.029%; no homozygotes.

Submission:

CeGaT Center for Human Genetics Tuebingen
Classification: Likely benign. Last evaluated: 2024-10-01. Review status: criteria provided, single submitter. Criteria: CeGaT Center For Human Genetics Tuebingen Variant Classification Criteria Version 2. Collection method: clinical testing. Allele origin: germline. Affected: yes. Observed: 1 variant allele.
Comment: MROH2A: BP4, BP7

NM_001394639.1(MROH2A):c.3558C>T (p.Phe1186=)

Gene: MROH2A (maestro heat like repeat family member 2A; plus strand). Cytogenetic location: 2q37.1.
Variant type: single nucleotide variant.
Coding change: c.3558C>T on transcript NM_001394639.1 (MANE Select); coding-DNA position 3558, C replaced by T.
Protein change: p.Phe1186=; no amino-acid change (phenylalanine 1186 retained).
Molecular consequence: synonymous variant.
Genome position (GRCh38, 1-based): chr2:233,822,169, C>T. VCF-style: chr2-233822169-C-T. GRCh37 (hg19) VCF-style: chr2-234730815-C-T.
Other names: c.3558C>T, p.Phe1186= (NM_001367507.1).
Identifiers: ClinVar variation 3389152 (VCV003389152.14).